The following is an entry in ClinVar:

NM_006206.6(PDGFRA):c.21G>A (p.Ala7=)

Gene: PDGFRA (platelet derived growth factor receptor alpha; plus strand). Cytogenetic location: 4q12.
Variant type: single nucleotide variant.
Coding change: c.21G>A on transcript NM_006206.6 (MANE Select); coding-DNA position 21, G replaced by A.
Protein change: p.Ala7=; no amino-acid change (alanine 7 retained).
Molecular consequence: synonymous variant.
Genome position (GRCh38, 1-based): chr4:54,258,789, G>A. VCF-style: chr4-54258789-G-A. GRCh37 (hg19) VCF-style: chr4-55124956-G-A.
Other names: c.21G>A (NM_006206.5); c.21G>A, p.Ala7= (NM_001347827.2, NM_001347829.2); c.96G>A, p.Ala32= (NM_001347828.2); c.60G>A, p.Ala20= (NM_001347830.2).
Identifiers: ClinVar variation 459046 (VCV000459046.17), dbSNP rs200090515, ClinGen allele CA2922201.
Genomic context (GRCh38, chr4:54,258,789, plus strand): 5'-TGTTTCTGTTGACTTTTGACTTTTCTAGTTTCCCAGAGCTATGGGGACTTCCCATCCGGC[G>A]TTCCTGGTCTTAGGCTGTCTTCTCACAGGTACGGAGCCCAGTCCTCTCTGAGTTCCTTGT-3'
Protein context (NP_006197.1, residues 1-17): MGTSHP[Ala7=]FLVLGCLLTG

ClinVar aggregate classification (germline): Benign/Likely benign. Review status: criteria provided, multiple submitters, no conflicts (2 of 4 stars). 4 submissions from 4 submitters: Benign (1); Likely benign (2). 1 of the submissions does not count toward it. Last evaluated 2026-06-16.

Conditions:
PDGFRA-related disorder. Also called: PDGFRA-related condition.
Hereditary cancer-predisposing syndrome. Also called: Tumor predisposition; Hereditary neoplastic syndrome; Neoplastic Syndromes, Hereditary; Hereditary Cancer Syndrome. Identifiers: Orphanet 140162, MedGen C0027672, MeSH D009386, MONDO:0015356.
Gastrointestinal stromal tumor. Also called: Gastrointestinal stroma tumor; Gastrointestinal stromal tumor, somatic. Identifiers: Orphanet 44890, MedGen C0238198, MeSH D046152, MONDO:0011719, OMIM 606764, HP:0100723.
Polyps, multiple and recurrent inflammatory fibroid, gastrointestinal. Identifiers: MedGen C5193005, MONDO:0008285, OMIM 175510.

Allele frequency attached by ClinVar (database versions not stated): TOPMed 0.00002; gnomAD 0.00003; gnomAD exomes 0.00004 and 0.00005; ExAC 0.00005; 1000 Genomes Project 30x 0.00016; 1000 Genomes Project 0.00020.
gnomAD v4.1: 70 of 1,613,686 alleles (0.0043%); highest among the groups gnomAD compares: Middle Eastern, 0.016%; no homozygotes.

Submissions (4):

Myriad Genetics, Inc.
Classification: Benign for Polyps, multiple and recurrent inflammatory fibroid, gastrointestinal. Last evaluated: 2026-06-16. Review status: criteria provided, single submitter. Criteria: Myriad Autosomal Dominant, Autosomal Recessive and X-Linked Classification Criteria (2023). Collection method: clinical testing. Allele origin: unknown.
Comment: This variant is considered benign. This variant is a silent/synonymous amino acid change and it is not expected to impact splicing.

Labcorp Genetics (formerly Invitae), Labcorp
Classification: Likely benign for Gastrointestinal stromal tumor. Last evaluated: 2026-01-25. Review status: criteria provided, single submitter. Criteria: Invitae Variant Classification Sherloc (09022015). Collection method: clinical testing. Allele origin: germline.

Ambry Genetics
Classification: Likely benign for Hereditary cancer-predisposing syndrome. Last evaluated: 2022-02-15. Review status: criteria provided, single submitter. Criteria: Ambry Variant Classification Scheme 2023. Collection method: clinical testing. Allele origin: germline.

PreventionGenetics, part of Exact Sciences
Classification: Likely benign for PDGFRA-related condition. Last evaluated: 2022-07-29. Review status: no assertion criteria provided. Collection method: clinical testing. Allele origin: germline. Not counted in ClinVar's aggregate classification.
Comment: This variant is classified as likely benign based on ACMG/AMP sequence variant interpretation guidelines (Richards et al. 2015 PMID: 25741868, with internal and published modifications).